The following is an entry in ClinVar:

NM_020351.4(COL8A1):c.1785G>A (p.Val595=)

Gene: COL8A1 (collagen type VIII alpha 1 chain; plus strand). Cytogenetic location: 3q12.1.
Variant type: single nucleotide variant.
Coding change: c.1785G>A on transcript NM_020351.4 (MANE Select); coding-DNA position 1785, G replaced by A.
Protein change: p.Val595=; no amino-acid change (valine 595 retained).
Molecular consequence: synonymous variant.
Genome position (GRCh38, 1-based): chr3:99,795,686, G>A. VCF-style: chr3-99795686-G-A. GRCh37 (hg19) VCF-style: chr3-99514530-G-A.
Other names: c.1785G>A, p.Val595= (NM_001850.5).
Identifiers: ClinVar variation 3352210 (VCV003352210.1).
Genomic context (GRCh38, chr3:99,795,686, plus strand): 5'-CCCTACACCACCACCCCAGGGAGAGTATCTGCCAGATATGGGGCTGGGAATTGATGGCGT[G>A]AAACCCCCCCATGCCTACGGGGCTAAGAAAGGCAAGAATGGAGGGCCAGCCTATGAGATG-3'
Protein context (NP_065084.2, residues 585-605): LPDMGLGIDG[Val595=]KPPHAYGAKK

ClinVar aggregate classification (germline): Likely benign (0 of 4 stars; one submission).

Conditions:
COL8A1-related disorder. Also called: COL8A1-related condition.

gnomAD v4.1: 297 of 1,614,046 alleles (0.018%); highest among the groups gnomAD compares: African/African-American, 0.35%; no homozygotes.

Submission:

PreventionGenetics, part of Exact Sciences
Classification: Likely benign for COL8A1-related condition. Last evaluated: 2024-05-31. Review status: no assertion criteria provided. Collection method: clinical testing. Allele origin: germline.
Comment: This variant is classified as likely benign based on ACMG/AMP sequence variant interpretation guidelines (Richards et al. 2015 PMID: 25741868, with internal and published modifications).